The following is an entry in ClinVar:

NM_002335.4(LRP5):c.4089C>T (p.Asp1363=)

Gene: LRP5 (LDL receptor related protein 5; plus strand). Cytogenetic location: 11q13.2.
Variant type: single nucleotide variant.
Coding change: c.4089C>T on transcript NM_002335.4 (MANE Select); coding-DNA position 4089, C replaced by T.
Protein change: p.Asp1363=; no amino-acid change (aspartic acid 1363 retained).
Molecular consequence: synonymous variant.
Genome position (GRCh38, 1-based): chr11:68,436,977, C>T. VCF-style: chr11-68436977-C-T. GRCh37 (hg19) VCF-style: chr11-68204445-C-T.
Other names: c.2346C>T, p.Asp782= (NM_001291902.2).
Identifiers: ClinVar variation 194943 (VCV000194943.26), dbSNP rs3736229, ClinGen allele CA201451.

ClinVar aggregate classification (germline): Benign/Likely benign. Review status: criteria provided, multiple submitters, no conflicts (2 of 4 stars). 9 submissions from 8 submitters: Benign (2); Likely benign (4). 3 of the submissions do not count toward it. Last evaluated 2026-01-25.

Conditions:
Disorder of bone. Also called: Rare bone disease related to a common gene or pathway defect; Bone disease; Bone disorder. Identifiers: Orphanet 364803, MedGen C0005940, MONDO:0005381.
Osteogenesis imperfecta (OI). Identifiers: Orphanet 666, MedGen C0029434, MeSH D010013, MONDO:0019019.

Allele frequency attached by ClinVar (database versions not stated): ESP Exome Variant Server 0.00031; TOPMed 0.00099; gnomAD exomes 0.00125 and 0.00319; gnomAD 0.00195 and 0.00217; ExAC 0.00287; 1000 Genomes Project 30x 0.00390; 1000 Genomes Project 0.00419.
gnomAD v4.1: 2,179 of 1,613,612 alleles (0.14%); highest among the groups gnomAD compares: East Asian, 1.6%; 18 homozygotes.

Submissions (9):

Labcorp Genetics (formerly Invitae), Labcorp
Classification: Benign. Last evaluated: 2026-01-25. Review status: criteria provided, single submitter. Criteria: Invitae Variant Classification Sherloc (09022015). Collection method: clinical testing. Allele origin: germline.

Genome Diagnostics Laboratory, The Hospital for Sick Children
Classification: Benign for Disorder of bone. Last evaluated: 2025-05-08. Review status: criteria provided, single submitter. Criteria: ACMG Guidelines, 2015. Collection method: clinical testing. Allele origin: germline. Affected: yes.
Comment: This synonymous variant is classified as Benign (ACMG criteria - BS1, BS2, BP6, BP4, BP7)

GeneDx
Classification: Likely benign. Last evaluated: 2021-08-28. Review status: criteria provided, single submitter. Criteria: GeneDx Variant Classification Process June 2021. Collection method: clinical testing. Allele origin: germline. Affected: yes.

Genome Diagnostics Laboratory, The Hospital for Sick Children
Classification: Likely benign for Osteogenesis imperfecta. Last evaluated: 2020-03-01. Review status: criteria provided, single submitter. Criteria: ACMG Guidelines, 2015. Collection method: clinical testing. Allele origin: germline.

Eurofins Ntd Llc (ga)
Classification: Likely benign. Last evaluated: 2014-10-20. Review status: criteria provided, single submitter. Criteria: EGL Classification Definitions 2015. Collection method: clinical testing. Allele origin: germline. Observed: 1 variant allele, 1 heterozygote.

Breakthrough Genomics
Classification: Likely benign. Review status: criteria provided, single submitter. Criteria: ACMG Guidelines, 2015. Collection method: not provided. Allele origin: germline. Inheritance: Autosomal recessive inheritance. Affected: yes.

Clinical Genetics, Academic Medical Center
Classification: Likely benign. Review status: no assertion criteria provided. Collection method: clinical testing. Allele origin: germline. Affected: yes. Study: VKGL Data-share Consensus. Not counted in ClinVar's aggregate classification.

Genome Diagnostics Laboratory, Amsterdam University Medical Center
Classification: Benign. Review status: no assertion criteria provided. Collection method: clinical testing. Allele origin: germline. Affected: yes. Study: VKGL Data-share Consensus. Not counted in ClinVar's aggregate classification.

Joint Genome Diagnostic Labs from Nijmegen and Maastricht, Radboudumc and MUMC+
Classification: Benign. Review status: no assertion criteria provided. Collection method: clinical testing. Allele origin: germline. Affected: yes. Study: VKGL Data-share Consensus. Not counted in ClinVar's aggregate classification.